The following is an entry in ClinVar:

ClinVar aggregate classification (germline): Benign/Likely benign. Review status: criteria provided, multiple submitters, no conflicts (2 of 4 stars). 8 submissions from 8 submitters: Benign (5); Likely benign (3). Last evaluated 2026-01-25.

Conditions:
Connective tissue disorder. Also called: Connective tissue disease. Identifiers: MedGen C0009782, MONDO:0003900.
Greenberg dysplasia (GRBGD). Also called: CHONDRODYSTROPHY, HYDROPIC AND PRENATALLY LETHAL TYPE; MOTH-EATEN SKELETAL DYSPLASIA; HEM SKELETAL DYSPLASIA. Identifiers: Orphanet 1426, MedGen C2931048, MONDO:0008974, OMIM 215140.
Pelger-Huët anomaly (PHA). Also called: Pelger-Huet Anomaly. Identifiers: MedGen C0030779, MONDO:0008214, OMIM 169400.
Regressive spondylometaphyseal dysplasia. Also called: PELGER-HUET ANOMALY WITH MILD SKELETAL ANOMALIES. Identifiers: Orphanet 448267, MedGen C4747922, MONDO:0018663, OMIM 618019.
Reynolds syndrome. Also called: PRIMARY BILIARY CIRRHOSIS, SCLERODERMA, RAYNAUD DISEASE, AND TELANGIECTASIA. Identifiers: Orphanet 779, MedGen C0748397, MONDO:0013276, OMIM 613471.

Allele frequency attached by ClinVar (database versions not stated): 1000 Genomes Project 30x 0.00515; 1000 Genomes Project 0.00559; TOPMed 0.00978; ESP Exome Variant Server 0.01143; gnomAD 0.01262 and 0.01280; gnomAD exomes 0.01438; ExAC 0.02177.

Submissions (8):

Labcorp Genetics (formerly Invitae), Labcorp
Classification: Benign. Last evaluated: 2026-01-25. Review status: criteria provided, single submitter. Criteria: Invitae Variant Classification Sherloc (09022015). Collection method: clinical testing. Allele origin: germline.

Athena Diagnostics
Classification: Benign. Last evaluated: 2025-02-06. Review status: criteria provided, single submitter. Criteria: Athena Diagnostics Criteria. Collection method: clinical testing. Allele origin: unknown.
Comment: The frequency of this variant in the general population is higher than would generally be expected for pathogenic variants in this gene. Computational tools yielded predictions that this variant is unlikely to have an effect on normal RNA splicing. This nucleotide position exhibits low evolutionary conservation.

ARUP Laboratories, Molecular Genetics and Genomics, ARUP Laboratories
Classification: Benign. Last evaluated: 2023-11-09. Review status: criteria provided, single submitter. Criteria: ARUP Molecular Germline Variant Investigation Process 2024. Collection method: clinical testing. Allele origin: germline.

Genome Diagnostics Laboratory, The Hospital for Sick Children
Classification: Benign for Connective tissue disorder. Last evaluated: 2022-05-17. Review status: criteria provided, single submitter. Criteria: ACMG Guidelines, 2015. Collection method: clinical testing. Allele origin: germline.

Fulgent Genetics
Classification: Likely benign for Pelger-Huët anomaly; Greenberg dysplasia; Reynolds syndrome; Regressive spondylometaphyseal dysplasia. Last evaluated: 2021-09-16. Review status: criteria provided, single submitter. Criteria: ACMG Guidelines, 2015. Collection method: clinical testing. Allele origin: unknown.

GeneDx
Classification: Likely benign. Last evaluated: 2021-02-18. Review status: criteria provided, single submitter. Criteria: GeneDx Variant Classification Process June 2021. Collection method: clinical testing. Allele origin: germline. Affected: yes.

Illumina Laboratory Services, Illumina
Classification: Benign for Greenberg dysplasia. Last evaluated: 2018-01-12. Review status: criteria provided, single submitter. Criteria: ICSL Variant Classification Criteria 13 December 2019. Collection method: clinical testing. Allele origin: germline.
Comment: This variant was observed in the ICSL laboratory as part of a predisposition screen in an ostensibly healthy population. It had not been previously curated by ICSL or reported in the Human Gene Mutation Database (HGMD: prior to June 1st, 2018), and was therefore a candidate for classification through an automated scoring system. Utilizing variant allele frequency, disease prevalence and penetrance estimates, and inheritance mode, an automated score was calculated to assess if this variant is too frequent to cause the disease. Based on the score and internal cut-off values, a variant classified as benign is not then subjected to further curation. The score for this variant resulted in a classification of benign for this disease.

Breakthrough Genomics
Classification: Likely benign. Review status: criteria provided, single submitter. Criteria: ACMG Guidelines, 2015. Collection method: not provided. Allele origin: germline. Inheritance: Autosomal recessive inheritance. Affected: yes.

NM_002296.4(LBR):c.843A>G (p.Val281=)

Gene: LBR (lamin B receptor; minus strand). Cytogenetic location: 1q42.12.
Variant type: single nucleotide variant.
Coding change: c.843A>G on transcript NM_002296.4 (MANE Select); coding-DNA position 843, A replaced by G.
Protein change: p.Val281=; no amino-acid change (valine 281 retained).
Molecular consequence: synonymous variant.
Genome position (GRCh38, 1-based): chr1:225,415,327, T>C on the plus strand (A>G on the coding strand, the complement: LBR is on the minus strand). VCF-style: chr1-225415327-T-C. GRCh37 (hg19) VCF-style: chr1-225603029-T-C.
Other names: c.843A>G, p.Val281= (NM_194442.3).
Identifiers: ClinVar variation 295940 (VCV000295940.30), dbSNP rs61749339, ClinGen allele CA1417352.